The following is an entry in ClinVar:

NM_012434.5(SLC17A5):c.85G>A (p.Ala29Thr)

Genes: SLC17A5 (solute carrier family 17 member 5; minus strand), LOC129996727 (ATAC-STARR-seq lymphoblastoid silent region 17338; plus strand). Cytogenetic location: 6q13.
Variant type: single nucleotide variant.
Coding change: c.85G>A on transcript NM_012434.5 (MANE Select); coding-DNA position 85, G replaced by A.
Protein change: p.Ala29Thr; replaces alanine 29 with threonine.
Molecular consequence: missense variant.
Genome position (GRCh38, 1-based): chr6:73,653,802, C>T on the plus strand (G>A on the coding strand, the complement: SLC17A5 is on the minus strand). VCF-style: chr6-73653802-C-T. GRCh37 (hg19) VCF-style: chr6-74363525-C-T.
Other names: p.Ala29Thr; short protein forms A29T.
Identifiers: ClinVar variation 781754 (VCV000781754.63), dbSNP rs141463026, ClinGen allele CA3890622.

ClinVar aggregate classification (germline): Conflicting classifications of pathogenicity. Review status: criteria provided, conflicting classifications (1 of 4 stars). 10 submissions from 9 submitters: Uncertain significance (3); Benign (1); Likely benign (4). 2 of the submissions do not count toward it. Last evaluated 2026-01-28.

Conditions:
Salla disease (SD). Also called: Sialuria, Finnish type; N-acetylneuraminic acid (NANA) storage disease (NSD); Infantile sialic acid storage disorder (ISSD); Less Severe FSASD (Salla Disease). Identifiers: Orphanet 309334, Orphanet 834, MedGen C1096903, MONDO:0011449, OMIM 604369.
Sialic acid storage disease, severe infantile type (ISSD). Also called: Free sialic acid storage disease, infantile form; N-ACETYLNEURAMINIC ACID STORAGE DISEASE; NANA STORAGE DISEASE; SIALURIA, INFANTILE FORM; INFANTILE SIALIC ACID STORAGE DISORDER; Infantile Sialic Acid Storage Disease. Identifiers: Orphanet 309324, Orphanet 834, MedGen C1096902, MONDO:0010027, OMIM 269920.
SLC17A5-related disorder. Also called: SLC17A5-related condition; SLC17A5-related disorders.

Allele frequency attached by ClinVar (database versions not stated): gnomAD exomes 0.00081; TOPMed 0.00092; gnomAD 0.00098 and 0.00100; 1000 Genomes Project 0.00120; 1000 Genomes Project 30x 0.00125; ESP Exome Variant Server 0.00159; ExAC 0.00180.
gnomAD v4.1: 2,721 of 1,589,136 alleles (0.17%); highest among the groups gnomAD compares: Non-Finnish European, 0.21%; 5 homozygotes.

Submissions (10):

Labcorp Genetics (formerly Invitae), Labcorp
Classification: Benign for Salla disease. Last evaluated: 2026-01-28. Review status: criteria provided, single submitter. Criteria: Invitae Variant Classification Sherloc (09022015). Collection method: clinical testing. Allele origin: germline.

Mayo Clinic Laboratories, Mayo Clinic
Classification: Likely benign. Last evaluated: 2025-08-25. Review status: criteria provided, single submitter. Criteria: ACMG Guidelines, 2015. Collection method: clinical testing. Allele origin: germline. Observed: 5 variant alleles.
Comment: BS1, BP4_moderate

CeGaT Center for Human Genetics Tuebingen
Classification: Likely benign. Last evaluated: 2024-11-01. Review status: criteria provided, single submitter. Criteria: CeGaT Center For Human Genetics Tuebingen Variant Classification Criteria Version 2. Collection method: clinical testing. Allele origin: germline. Affected: yes. Observed: 3 variant alleles.
Comment: SLC17A5: BP4

Blueprint Genetics
Classification: Likely benign. Last evaluated: 2024-10-30. Review status: criteria provided, single submitter. Criteria: ACMG Guidelines, 2015. Collection method: clinical testing. Allele origin: germline.

Department of Pathology and Laboratory Medicine, Sinai Health System
Classification: Uncertain significance for Sialic acid storage disease, severe infantile type; Salla disease. Last evaluated: 2021-09-27. Review status: criteria provided, single submitter. Criteria: ACMG Guidelines, 2015. Collection method: research. Allele origin: germline.

Genome-Nilou Lab
Classification: Likely benign for Salla disease. Last evaluated: 2021-09-05. Review status: criteria provided, single submitter. Criteria: ACMG Guidelines, 2015. Collection method: clinical testing. Allele origin: germline. Affected: no.

Illumina Laboratory Services, Illumina
Classification: Uncertain significance for Salla disease. Last evaluated: 2017-04-27. Review status: criteria provided, single submitter. Criteria: ICSL Variant Classification Criteria 13 December 2019. Collection method: clinical testing. Allele origin: germline.

Illumina Laboratory Services, Illumina
Classification: Uncertain significance for Sialic acid storage disease, severe infantile type. Last evaluated: 2017-04-27. Review status: criteria provided, single submitter. Criteria: ICSL Variant Classification Criteria 13 December 2019. Collection method: clinical testing. Allele origin: germline.

PreventionGenetics, part of Exact Sciences
Classification: Likely benign for SLC17A5-related condition. Last evaluated: 2023-11-30. Review status: no assertion criteria provided. Collection method: clinical testing. Allele origin: germline. Not counted in ClinVar's aggregate classification.
Comment: This variant is classified as likely benign based on ACMG/AMP sequence variant interpretation guidelines (Richards et al. 2015 PMID: 25741868, with internal and published modifications).

Natera, Inc.
Classification: Benign for Salla disease. Last evaluated: 2020-09-16. Review status: no assertion criteria provided. Collection method: clinical testing. Allele origin: germline. Not counted in ClinVar's aggregate classification.